The following is an entry in ClinVar:

ClinVar aggregate classification (germline): Uncertain significance (1 of 4 stars; one submission).

Conditions:
Hereditary cancer-predisposing syndrome. Also called: Tumor predisposition; Hereditary neoplastic syndrome; Hereditary Cancer Syndrome; Neoplastic Syndromes, Hereditary. Identifiers: Orphanet 140162, MedGen C0027672, MeSH D009386, MONDO:0015356.

Submission:

Ambry Genetics
Classification: Uncertain significance for Hereditary cancer-predisposing syndrome. Last evaluated: 2023-12-29. Review status: criteria provided, single submitter. Criteria: Ambry Variant Classification Scheme 2023. Collection method: clinical testing. Allele origin: germline.
Comment: The p.D96E variant (also known as c.288T>G), located in coding exon 2 of the CTNNA1 gene, results from a T to G substitution at nucleotide position 288. The aspartic acid at codon 96 is replaced by glutamic acid, an amino acid with highly similar properties. This amino acid position is conserved. In addition, this alteration is predicted to be tolerated by in silico analysis. Since supporting evidence is limited at this time, the clinical significance of this alteration remains unclear.

NM_001903.5(CTNNA1):c.288T>G (p.Asp96Glu)

Gene: CTNNA1 (catenin alpha 1; plus strand). Cytogenetic location: 5q31.2.
Variant type: single nucleotide variant.
Coding change: c.288T>G on transcript NM_001903.5 (MANE Select); coding-DNA position 288, T replaced by G.
Protein change: p.Asp96Glu; replaces aspartic acid 96 with glutamic acid.
Molecular consequence: missense variant. On other transcripts: intron variant (2).
Genome position (GRCh38, 1-based): chr5:138,783,359, T>G. VCF-style: chr5-138783359-T-G. GRCh37 (hg19) VCF-style: chr5-138119048-T-G.
Other names: c.288T>G, p.Asp96Glu (NM_001290307.3, NM_001323982.2, NM_001323983.1 and 3 more transcripts); c.-6+87T>G (NM_001290310.3); c.-9+1330T>G (NM_001290309.3); short protein forms D96E.
Identifiers: ClinVar variation 3221912 (VCV003221912.1), dbSNP rs1755343359, ClinGen allele CA361477695.